The following is an entry in ClinVar:

ClinVar aggregate classification (germline): Uncertain significance (1 of 4 stars; one submission).

Conditions:
Cardiovascular phenotype. Identifiers: MedGen CN230736.

Allele frequency attached by ClinVar (database versions not stated): gnomAD 0.00001.
gnomAD v4.1: 3 of 1,614,064 alleles (0.00019%); highest among the groups gnomAD compares: African/African-American, 0.0013%; no homozygotes.

Submission:

Ambry Genetics
Classification: Uncertain significance for Cardiovascular phenotype. Last evaluated: 2023-06-08. Review status: criteria provided, single submitter. Criteria: Ambry Variant Classification Scheme 2023. Collection method: clinical testing. Allele origin: germline.
Comment: The p.S432L variant (also known as c.1295C>T), located in coding exon 8 of the TBX5 gene, results from a C to T substitution at nucleotide position 1295. The serine at codon 432 is replaced by leucine, an amino acid with dissimilar properties. This amino acid position is highly conserved in available vertebrate species. In addition, this alteration is predicted to be tolerated by in silico analysis. Since supporting evidence is limited at this time, the clinical significance of this alteration remains unclear.

NM_181486.4(TBX5):c.1295C>T (p.Ser432Leu)

Gene: TBX5 (T-box transcription factor 5; minus strand). Cytogenetic location: 12q24.21.
Variant type: single nucleotide variant.
Coding change: c.1295C>T on transcript NM_181486.4 (MANE Select); coding-DNA position 1295, C replaced by T.
Protein change: p.Ser432Leu; replaces serine 432 with leucine.
Molecular consequence: missense variant.
Genome position (GRCh38, 1-based): chr12:114,355,794, G>A on the plus strand (C>T on the coding strand, the complement: TBX5 is on the minus strand). VCF-style: chr12-114355794-G-A. GRCh37 (hg19) VCF-style: chr12-114793599-G-A.
Other names: c.1295C>T, p.Ser432Leu (NM_000192.3); c.1145C>T, p.Ser382Leu (NM_080717.4); short protein forms S432L, S382L.
Identifiers: ClinVar variation 2563133 (VCV002563133.2), dbSNP rs1290011317, ClinGen allele CA386925361.